The following is an entry in ClinVar:

NM_020223.4(FAM20C):c.953_956+30dup

Gene: FAM20C (FAM20C golgi associated secretory pathway kinase; plus strand). Cytogenetic location: 7p22.3.
Variant type: Duplication.
Coding change: c.953_956+30dup on transcript NM_020223.4 (MANE Select); coding-DNA position 953 through 30 bases into the intron after coding-DNA position 956, 34 bases duplicated.
Molecular consequence: splice donor variant.
Genome position (GRCh38, 1-based): chr7:246,504-246,537, 34 bases duplicated; duplicating any 34 consecutive bases within chr7:246,503-246,537 gives the same sequence; the c. name uses the placement nearest the transcript's 3' end. GRCh37 (hg19): chr7:286,470-286,503.
Other names: c.953_956+30dup34 (NM_020223.3).
Identifiers: ClinVar variation 402845 (VCV000402845.21), dbSNP rs771282640, ClinGen allele CA4109074.

ClinVar aggregate classification (germline): Benign/Likely benign. Review status: criteria provided, multiple submitters, no conflicts (2 of 4 stars). 9 submissions from 9 submitters: Benign (5); Likely benign (1). 3 of the submissions do not count toward it. Last evaluated 2026-02-04.

Conditions:
FAM20C-related disorder. Also called: FAM20C-related condition.
Lethal osteosclerotic bone dysplasia (RNS). Also called: Osteomalacia, sclerosing, with cerebral calcification. Identifiers: Orphanet 1832, MedGen C1850106, MONDO:0009821, OMIM 259775.

Submissions (9):

Labcorp Genetics (formerly Invitae), Labcorp
Classification: Benign. Last evaluated: 2026-02-04. Review status: criteria provided, single submitter. Criteria: Invitae Variant Classification Sherloc (09022015). Collection method: clinical testing. Allele origin: germline.

Laboratory of Genetics, Children's Clinical University Hospital Latvia
Classification: Benign. Last evaluated: 2025-02-16. Review status: criteria provided, single submitter. Criteria: ACMG Guidelines, 2015. Collection method: clinical testing. Allele origin: germline. Affected: yes.

Blueprint Genetics
Classification: Likely benign. Last evaluated: 2024-11-27. Review status: criteria provided, single submitter. Criteria: ACMG Guidelines, 2015. Collection method: clinical testing. Allele origin: germline.

GeneDx
Classification: Benign. Last evaluated: 2021-04-13. Review status: criteria provided, single submitter. Criteria: GeneDx Variant Classification Process June 2021. Collection method: clinical testing. Allele origin: germline. Affected: yes.

Mendelics
Classification: Benign for Lethal osteosclerotic bone dysplasia. Last evaluated: 2019-05-28. Review status: criteria provided, single submitter. Criteria: Mendelics Assertion Criteria 2017. Collection method: clinical testing. Allele origin: unknown.

Laboratory for Molecular Medicine, Mass General Brigham Personalized Medicine
Classification: Benign. Last evaluated: 2016-03-29. Review status: criteria provided, single submitter. Criteria: LMM Criteria. Collection method: clinical testing. Allele origin: germline.
Comment: Variant identified in a genome or exome case(s) and assessed due to predicted null impact of the variant or pathogenic assertions in the literature or databases. Disclaimer: This variant has not undergone full assessment. The following are preliminary notes: ExAC frequency

PreventionGenetics, part of Exact Sciences
Classification: Benign for FAM20C-related condition. Last evaluated: 2021-03-03. Review status: no assertion criteria provided. Collection method: clinical testing. Allele origin: germline. Not counted in ClinVar's aggregate classification.
Comment: This variant is classified as benign based on ACMG/AMP sequence variant interpretation guidelines (Richards et al. 2015 PMID: 25741868, with internal and published modifications).

Genome Diagnostics Laboratory, University Medical Center Utrecht
Classification: Likely benign. Review status: no assertion criteria provided. Collection method: clinical testing. Allele origin: germline. Affected: yes. Study: VKGL Data-share Consensus. Not counted in ClinVar's aggregate classification.

Laboratory of Diagnostic Genome Analysis, Leiden University Medical Center (LUMC)
Classification: Likely benign. Review status: no assertion criteria provided. Collection method: clinical testing. Allele origin: germline. Affected: yes. Study: VKGL Data-share Consensus. Not counted in ClinVar's aggregate classification.